The following is an entry in ClinVar:

ClinVar aggregate classification (germline): Uncertain significance (1 of 4 stars; one submission).

Conditions:
Type A2 brachydactyly (BDA2). Also called: MOHR-WRIEDT TYPE BRACHYDACTYLY; Brachymesophalangy type 2; BRACHYMESOPHALANGY II. Identifiers: Orphanet 93396, MedGen C1832702, MONDO:0007216, OMIM 112600, HP:0009372.
Acromesomelic dysplasia 3 (AMD3). Also called: Acromesomelic dysplasia, Demirhan type; CHONDRODYSPLASIA, ACROMESOMELIC, WITH OR WITHOUT GENITAL ANOMALIES. Identifiers: MedGen C4225404, MONDO:0012274, OMIM 609441.

gnomAD v4.1: 1 of 1,613,898 alleles (0.000062%); highest among the groups gnomAD compares: Non-Finnish European, 0.000085%; no homozygotes.

Submission:

Labcorp Genetics (formerly Invitae), Labcorp
Classification: Uncertain significance for Type A2 brachydactyly; Acromesomelic dysplasia 3. Last evaluated: 2024-02-26. Review status: criteria provided, single submitter. Criteria: Invitae Variant Classification Sherloc (09022015). Collection method: clinical testing. Allele origin: germline.
Comment: This sequence change replaces glutamine, which is neutral and polar, with lysine, which is basic and polar, at codon 249 of the BMPR1B protein (p.Gln249Lys). This variant is not present in population databases (gnomAD no frequency). This variant has not been reported in the literature in individuals affected with BMPR1B-related conditions. Advanced modeling of protein sequence and biophysical properties (such as structural, functional, and spatial information, amino acid conservation, physicochemical variation, residue mobility, and thermodynamic stability) performed at Invitae indicates that this missense variant is not expected to disrupt BMPR1B protein function with a negative predictive value of 80%. In summary, the available evidence is currently insufficient to determine the role of this variant in disease. Therefore, it has been classified as a Variant of Uncertain Significance.

NM_001203.3(BMPR1B):c.745C>A (p.Gln249Lys)

Gene: BMPR1B (bone morphogenetic protein receptor type 1B; plus strand). Cytogenetic location: 4q22.3.
Variant type: single nucleotide variant.
Coding change: c.745C>A on transcript NM_001203.3 (MANE Select); coding-DNA position 745, C replaced by A.
Protein change: p.Gln249Lys; replaces glutamine 249 with lysine.
Molecular consequence: missense variant.
Genome position (GRCh38, 1-based): chr4:95,130,021, C>A. VCF-style: chr4-95130021-C-A. GRCh37 (hg19) VCF-style: chr4-96051172-C-A.
Other names: c.745C>A, p.Gln249Lys (NM_001256792.2, NM_001256794.1); c.835C>A, p.Gln279Lys (NM_001256793.2); short protein forms Q249K, Q279K.
Identifiers: ClinVar variation 3749483 (VCV003749483.2).